The following is an entry in ClinVar:

ClinVar aggregate classification (germline): Likely pathogenic (1 of 4 stars; one submission).

Conditions:
Cardiovascular phenotype. Identifiers: MedGen CN230736.

Submission:

Ambry Genetics
Classification: Likely pathogenic for Cardiovascular phenotype. Last evaluated: 2025-08-14. Review status: criteria provided, single submitter. Criteria: Ambry Variant Classification Scheme 2023. Collection method: clinical testing. Allele origin: germline.
Comment: The c.1515-2_1519delAGGCTGC variant results from a deletion of 7 nucleotides between positions c.1515-2 and c.1519 and involves the canonical splice acceptor site before coding exon 12 of the KCNQ1 gene. Alterations that disrupt the canonical splice site are expected to cause aberrant splicing, resulting in an abnormal protein or a transcript that is subject to nonsense-mediated mRNA decay. As such, this alteration is classified as likely pathogenic. This variant was not reported in population-based cohorts in the Genome Aggregation Database (gnomAD). This region is conserved in available vertebrate species. In silico splice site analysis predicts that this alteration will weaken the native splice acceptor site. Based on the available evidence, this alteration is classified as likely pathogenic.

Literature cited by the submitters: PubMed 19716085.

NM_000218.3(KCNQ1):c.1515-2_1519del

Gene: KCNQ1 (potassium voltage-gated channel subfamily Q member 1; plus strand). Cytogenetic location: 11p15.5.
Variant type: Deletion.
Coding change: c.1515-2_1519del on transcript NM_000218.3 (MANE Select); the canonical splice acceptor site of the intron before coding-DNA position 1515 through coding-DNA position 1519, 7 bases deleted (AGGCTGC; older notation c.1515-2_1519delAGGCTGC).
Molecular consequence: splice acceptor variant.
Genome position (GRCh38, 1-based): chr11:2,768,842-2,768,848, AGGCTGC deleted; deleting any 7 consecutive bases within chr11:2,768,838-2,768,848 gives the same sequence; the c. name uses the placement nearest the transcript's 3' end. VCF-style (leftmost placement, unchanged base first): chr11-2768837-ACTGCAGG-A. GRCh37 (hg19) VCF-style: chr11-2790067-ACTGCAGG-A.
Other names: c.1245-2_1249del (NM_001406837.1); c.1419-2_1423del (NM_001406836.1); c.975-2_979del (NM_001406838.1); c.1134-2_1138del (NM_181798.2).
Identifiers: ClinVar variation 4090692 (VCV004090692.1).
Genomic context (GRCh38, chr11:2,768,837, plus strand): 5'-AGGGGCAGTGAGGGGATGACCAGCACAGGGTGGCCACTCACAATCTCCTCTCCTCTCTCC[ACTGCAGG>A]CTGCGGGAACACCATCGGGCCACCATTAAGGTCATTCGACGCATGCAGTACTTTGTGGCC-3'